The following is an entry in ClinVar:

NM_000440.3(PDE6A):c.1145T>C (p.Ile382Thr)

Gene: PDE6A (phosphodiesterase 6A; minus strand). Cytogenetic location: 5q32.
Variant type: single nucleotide variant.
Coding change: c.1145T>C on transcript NM_000440.3 (MANE Select); coding-DNA position 1145, T replaced by C.
Protein change: p.Ile382Thr; replaces isoleucine 382 with threonine.
Molecular consequence: missense variant.
Genome position (GRCh38, 1-based): chr5:149,899,493, A>G on the plus strand (T>C on the coding strand, the complement: PDE6A is on the minus strand). VCF-style: chr5-149899493-A-G. GRCh37 (hg19) VCF-style: chr5-149279056-A-G.
Other names: c.902T>C, p.Ile301Thr (NM_001410788.1); short protein forms I301T, I382T.
Identifiers: ClinVar variation 1995212 (VCV001995212.4), dbSNP rs2480578536, ClinGen allele CA361697045.
Genomic context (GRCh38, chr5:149,899,493, plus strand): 5'-GTGGCCACTCCAACAATTTCTTCCTTCTTGTTCACAATCGGCATTGAAAGCACATTTTTA[A>G]TCATCCATCCAGACTCATCCAGAGGTTCTTTCTACAAGAGAAGGGCTAGATTAGGTTTCC-3'
Protein context (NP_000431.2, residues 372-392): KEPLDESGWM[Ile382Thr]KNVLSMPIVN

ClinVar aggregate classification (germline): Uncertain significance (1 of 4 stars; one submission).

Allele frequency attached by ClinVar (database versions not stated): gnomAD exomes 0.00001.
gnomAD v4.1: 12 of 1,614,198 alleles (0.00074%); highest among the groups gnomAD compares: Non-Finnish European, 0.001%; no homozygotes.

Submission:

Labcorp Genetics (formerly Invitae), Labcorp
Classification: Uncertain significance. Last evaluated: 2022-05-27. Review status: criteria provided, single submitter. Criteria: Invitae Variant Classification Sherloc (09022015). Collection method: clinical testing. Allele origin: germline.
Comment: In summary, the available evidence is currently insufficient to determine the role of this variant in disease. Therefore, it has been classified as a Variant of Uncertain Significance. Algorithms developed to predict the effect of missense changes on protein structure and function are either unavailable or do not agree on the potential impact of this missense change (SIFT: "Deleterious"; PolyPhen-2: "Benign"; Align-GVGD: "Class C55"). This variant has not been reported in the literature in individuals affected with PDE6A-related conditions. This variant is not present in population databases (gnomAD no frequency). This sequence change replaces isoleucine, which is neutral and non-polar, with threonine, which is neutral and polar, at codon 382 of the PDE6A protein (p.Ile382Thr).